The following is an entry in ClinVar:

NM_018979.4(WNK1):c.7000G>A (p.Gly2334Ser)

Gene: WNK1 (WNK lysine deficient protein kinase 1; plus strand). Cytogenetic location: 12p13.33.
Variant type: single nucleotide variant.
Coding change: c.7000G>A on transcript NM_018979.4 (MANE Select); coding-DNA position 7000, G replaced by A.
Protein change: p.Gly2334Ser; replaces glycine 2334 with serine.
Molecular consequence: missense variant.
Genome position (GRCh38, 1-based): chr12:908,643, G>A. VCF-style: chr12-908643-G-A. GRCh37 (hg19) VCF-style: chr12-1017809-G-A.
Other names: c.7780G>A, p.Gly2594Ser (NM_001184985.2); c.6256G>A, p.Gly2086Ser (NM_014823.3); c.7756G>A, p.Gly2586Ser (NM_213655.5); short protein forms G2334S, G2586S, G2086S, G2594S.
Identifiers: ClinVar variation 538526 (VCV000538526.7), dbSNP rs770326362, ClinGen allele CA6383542.

ClinVar aggregate classification (germline): Uncertain significance. Review status: criteria provided, multiple submitters, no conflicts (2 of 4 stars). 2 submissions from 2 submitters: Uncertain significance (2). Last evaluated 2026-03-25.

Conditions:
Neuropathy, hereditary sensory and autonomic, type 2A (HSAN2A). Also called: ACROOSTEOLYSIS, GIACCAI TYPE; ACROOSTEOLYSIS, NEUROGENIC; WNK1-Related HSAN2 (HSAN2A); HSAN IIA; MORVAN DISEASE; NEUROPATHY, CONGENITAL SENSORY. Identifiers: Orphanet 970, MedGen C2752089, MONDO:0024309, OMIM 201300.
Pseudohypoaldosteronism type 2C (PHA2C). Also called: Pseudohypoaldosteronism Type IIC. Identifiers: Orphanet 757, Orphanet 88940, MedGen C1840391, MONDO:0013778, OMIM 614492.
WNK1-related disorder. Also called: WNK1-related condition.

Allele frequency attached by ClinVar (database versions not stated): gnomAD exomes below 0.00001; ExAC 0.00001; gnomAD 0.00001; TOPMed 0.00003.
gnomAD v4.1: 35 of 1,614,084 alleles (0.0022%); highest among the groups gnomAD compares: African/African-American, 0.004%; no homozygotes.

Submissions (2):

PreventionGenetics, part of Exact Sciences
Classification: Uncertain significance for WNK1-related condition. Last evaluated: 2026-03-25. Review status: criteria provided, single submitter. Criteria: ACMG Guidelines, 2015. Collection method: clinical testing. Allele origin: germline.
Comment: The WNK1 c.7000G>A variant is predicted to result in the amino acid substitution p.Gly2334Ser. To our knowledge, this variant has not been reported in the literature. This variant is reported in 0.00088% of alleles in individuals of European (non-Finnish) descent in gnomAD. At this time, the clinical significance of this variant is uncertain due to the absence of conclusive functional and genetic evidence.

Labcorp Genetics (formerly Invitae), Labcorp
Classification: Uncertain significance for Neuropathy, hereditary sensory and autonomic, type 2A; Pseudohypoaldosteronism type 2C. Last evaluated: 2025-01-13. Review status: criteria provided, single submitter. Criteria: Invitae Variant Classification Sherloc (09022015). Collection method: clinical testing. Allele origin: germline.
Comment: This sequence change replaces glycine, which is neutral and non-polar, with serine, which is neutral and polar, at codon 2586 of the WNK1 protein (p.Gly2586Ser). This variant is present in population databases (rs770326362, gnomAD 0.0009%). This variant has not been reported in the literature in individuals affected with WNK1-related conditions. ClinVar contains an entry for this variant (Variation ID: 538526). Invitae Evidence Modeling of protein sequence and biophysical properties (such as structural, functional, and spatial information, amino acid conservation, physicochemical variation, residue mobility, and thermodynamic stability) indicates that this missense variant is not expected to disrupt WNK1 protein function with a negative predictive value of 95%. In summary, the available evidence is currently insufficient to determine the role of this variant in disease. Therefore, it has been classified as a Variant of Uncertain Significance.